The following is an entry in ClinVar:

NM_006892.4(DNMT3B):c.1923A>G (p.Pro641=)

Gene: DNMT3B (DNA methyltransferase 3 beta; plus strand). Cytogenetic location: 20q11.21.
Variant type: single nucleotide variant.
Coding change: c.1923A>G on transcript NM_006892.4 (MANE Select); coding-DNA position 1923, A replaced by G.
Protein change: p.Pro641=; no amino-acid change (proline 641 retained).
Molecular consequence: synonymous variant.
Genome position (GRCh38, 1-based): chr20:32,800,852, A>G. VCF-style: chr20-32800852-A-G. GRCh37 (hg19) VCF-style: chr20-31388658-A-G.
Other names: c.1737A>G, p.Pro579= (NM_001207055.2); c.1635A>G, p.Pro545= (NM_001207056.2); c.1863A>G, p.Pro621= (NM_175848.2, NM_175849.2); c.1899A>G, p.Pro633= (NM_175850.3).
Identifiers: ClinVar variation 1170714 (VCV001170714.37), dbSNP rs555058105, ClinGen allele CA9810766.

ClinVar aggregate classification (germline): Benign/Likely benign. Review status: criteria provided, multiple submitters, no conflicts (2 of 4 stars). 3 submissions from 3 submitters: Benign (1); Likely benign (2). Last evaluated 2026-01-12.

Conditions:
Centromeric instability of chromosomes 1,9 and 16 and immunodeficiency (ICF1). Also called: Immunodeficiency-centromeric instability-facial anomalies; IMMUNE DEFICIENCY, VARIABLE, WITH CENTROMERIC INSTABILITY OF CHROMOSOMES 1, 9, AND 16; IMMUNODEFICIENCY SYNDROME, VARIABLE; CENTROMERIC INSTABILITY, IMMUNODEFICIENCY SYNDROME. Identifiers: Orphanet 2268, MedGen C0398788, MONDO:0000133.

Allele frequency attached by ClinVar (database versions not stated): 1000 Genomes Project 30x 0.00016; 1000 Genomes Project 0.00020; gnomAD exomes 0.00025 and 0.00010; ExAC 0.00031; gnomAD 0.00003; TOPMed 0.00002.
gnomAD v4.1: 160 of 1,614,166 alleles (0.0099%); highest among the groups gnomAD compares: South Asian, 0.16%; no homozygotes.

Submissions (3):

Labcorp Genetics (formerly Invitae), Labcorp
Classification: Benign for Centromeric instability of chromosomes 1,9 and 16 and immunodeficiency. Last evaluated: 2026-01-12. Review status: criteria provided, single submitter. Criteria: Invitae Variant Classification Sherloc (09022015). Collection method: clinical testing. Allele origin: germline.

Blueprint Genetics
Classification: Likely benign. Last evaluated: 2024-11-21. Review status: criteria provided, single submitter. Criteria: ACMG Guidelines, 2015. Collection method: clinical testing. Allele origin: germline.

CeGaT Center for Human Genetics Tuebingen
Classification: Likely benign. Last evaluated: 2023-05-01. Review status: criteria provided, single submitter. Criteria: CeGaT Center For Human Genetics Tuebingen Variant Classification Criteria Version 2. Collection method: clinical testing. Allele origin: germline. Affected: yes. Observed: 1 variant allele.
Comment: DNMT3B: BP4, BP7